The following is an entry in ClinVar:

ClinVar aggregate classification (germline): Pathogenic/Likely pathogenic. Review status: criteria provided, multiple submitters, no conflicts (2 of 4 stars). 2 submissions from 2 submitters: Pathogenic (1); Likely pathogenic (1). Last evaluated 2025-07-09.

Conditions:
Tuberous sclerosis 1 (TSC1). Identifiers: Orphanet 805, MedGen C1854465, MONDO:0008612, OMIM 191100.
TSC1-related disorder. Also called: TSC1-related condition.

Submissions (2):

Labcorp Genetics (formerly Invitae), Labcorp
Classification: Pathogenic for Tuberous sclerosis 1. Last evaluated: 2025-07-09. Review status: criteria provided, single submitter. Criteria: Invitae Variant Classification Sherloc (09022015). Collection method: clinical testing. Allele origin: germline.
Comment: This sequence change creates a premature translational stop signal (p.Asp932Glyfs*17) in the TSC1 gene. It is expected to result in an absent or disrupted protein product. Loss-of-function variants in TSC1 are known to be pathogenic (PMID: 10227394, 17304050). This variant is not present in population databases (gnomAD no frequency). This variant has not been reported in the literature in individuals affected with TSC1-related conditions. For these reasons, this variant has been classified as Pathogenic.

PreventionGenetics, part of Exact Sciences
Classification: Likely pathogenic for TSC1-related condition. Last evaluated: 2025-03-31. Review status: criteria provided, single submitter. Criteria: ACMG Guidelines, 2015. Collection method: clinical testing. Allele origin: germline.
Comment: The TSC1 c.2795_2796delAT variant is predicted to result in a frameshift and premature protein termination (p.Asp932Glyfs*17). To our knowledge, this variant has not been reported in the literature or in a large population database (gnomAD), indicating this variant is rare. Frameshift variants in TSC1 are expected to be pathogenic. Of note, premature protein terminations caused by truncating variants downstream of c.2795_2796del (p.Asp932Glyfs*17) have been reported to be pathogenic or likely pathogenic for tuberous sclerosis complex (TSC) (c.2839del, p.Arg947Glyfs*8 reported as p.R947fs in Table S1, Meng et al. 2021. PubMed ID: 32917966; c.2935G>T, p.Glu979* at PreventionGenetics, internal data; c.2866C>T, p.Gln956* at ClinVar). The c.2795_2796del (p.Asp932Glyfs*17) variant is interpreted as likely pathogenic.

Literature cited by the submitters: PubMed 10227394 (cited by Labcorp Genetics (formerly Invitae), Labcorp); PubMed 17304050 (cited by Labcorp Genetics (formerly Invitae), Labcorp).

NM_000368.5(TSC1):c.2795_2796del (p.Asp932fs)

Gene: TSC1 (TSC complex subunit 1; minus strand). Cytogenetic location: 9q34.13.
Variant type: Deletion.
Coding change: c.2795_2796del on transcript NM_000368.5 (MANE Select); coding-DNA positions 2795 to 2796, 2 bases deleted (AT; older notation c.2795_2796delAT).
Protein change: p.Asp932fs; shifts the reading frame from aspartic acid 932.
Molecular consequence: frameshift variant. On other transcripts: non-coding transcript variant (5).
Genome position (GRCh38, 1-based): chr9:132,897,440-132,897,441, AT deleted on the plus strand (AT on the coding strand, the reverse complement: TSC1 is on the minus strand). VCF-style (leftmost placement, unchanged base first): chr9-132897439-CAT-C. GRCh37 (hg19) VCF-style: chr9-135772826-CAT-C.
Other names: c.2432_2433del, p.Asp811fs (NM_001406614.1, NM_001406615.1, NM_001406616.1 and 4 more transcripts); c.2429_2430del, p.Asp810fs (NM_001406620.1, NM_001406621.1, NM_001406622.1 and 1 more transcripts); c.2792_2793del, p.Asp931fs (NM_001162426.2, NM_001406597.1, NM_001406598.1 and 2 more transcripts); c.2642_2643del, p.Asp881fs (NM_001162427.2, NM_001406610.1); c.2795_2796del, p.Asp932fs (NM_001406592.1, NM_001406593.1, NM_001406594.1 and 2 more transcripts); c.2780_2781del, p.Asp927fs (NM_001406601.1, NM_001406602.1); c.2777_2778del, p.Asp926fs (NM_001406603.1, NM_001406604.1); c.2753_2754del, p.Asp918fs (NM_001406605.1, NM_001406606.1, NM_001406607.1); and 8 more; short protein forms D581fs, D796fs, D810fs, D811fs, D926fs, D614fs, D615fs, D797fs.
Identifiers: ClinVar variation 4722023 (VCV004722023.2).
Genomic context (GRCh38, chr9:132,897,439, plus strand): 5'-TTCCACTTAATAAAAACACAAAAGCCTTTCCTGATGAAAGTTACCTTGCCTGGAGTTTGA[CAT>C]CCTCTAGATATTTCTTCTGTTCCAAAAGAAGGTGGTCTTTCTTGGCCAGGTGAGATTCCA-3'